The following is an entry in ClinVar:

ClinVar aggregate classification (germline): Likely benign. Review status: criteria provided, multiple submitters, no conflicts (2 of 4 stars). 3 submissions from 3 submitters: Likely benign (3). Last evaluated 2026-01-26.

Conditions:
Mitochondrial complex V (ATP synthase) deficiency, nuclear type 2. Also called: Nuclear-Encoded ATPase Deficiency, TMEM70-Related; MITOCHONDRIAL COMPLEX V (ATP SYNTHASE) DEFICIENCY, TMEM70 TYPE; ENCEPHALOCARDIOMYOPATHY, MITOCHONDRIAL, NEONATAL, DUE TO ATP SYNTHASE DEFICIENCY. Identifiers: Orphanet 1194, MedGen C3279699, MONDO:0013546, OMIM 614052.

Allele frequency attached by ClinVar (database versions not stated): gnomAD exomes 0.00002 and 0.00005; ExAC 0.00008; gnomAD 0.00019 and 0.00021; TOPMed 0.00019; 1000 Genomes Project 30x 0.00062; 1000 Genomes Project 0.00080.

Submissions (3):

Labcorp Genetics (formerly Invitae), Labcorp
Classification: Likely benign for Mitochondrial complex V (ATP synthase) deficiency, nuclear type 2. Last evaluated: 2026-01-26. Review status: criteria provided, single submitter. Criteria: Invitae Variant Classification Sherloc (09022015). Collection method: clinical testing. Allele origin: germline.

Blueprint Genetics
Classification: Likely benign. Last evaluated: 2022-03-15. Review status: criteria provided, single submitter. Criteria: ACMG Guidelines, 2015. Collection method: clinical testing. Allele origin: germline.

GeneDx
Classification: Likely benign. Last evaluated: 2016-11-07. Review status: criteria provided, single submitter. Criteria: GeneDx Variant Classification (06012015). Collection method: clinical testing. Allele origin: germline. Affected: yes.
Comment: This variant is considered likely benign or benign based on one or more of the following criteria: it is a conservative change, it occurs at a poorly conserved position in the protein, it is predicted to be benign by multiple in silico algorithms, and/or has population frequency not consistent with disease.

NM_017866.6(TMEM70):c.317-16T>C

Gene: TMEM70 (transmembrane protein 70; plus strand). Cytogenetic location: 8q21.11.
Variant type: single nucleotide variant.
Coding change: c.317-16T>C on transcript NM_017866.6 (MANE Select); 16 bases into the intron before coding-DNA position 317, T replaced by C.
Molecular consequence: intron variant.
Genome position (GRCh38, 1-based): chr8:73,981,139, T>C. VCF-style: chr8-73981139-T-C. GRCh37 (hg19) VCF-style: chr8-74893374-T-C.
Other names: c.*7-16T>C (NM_001040613.3).
Identifiers: ClinVar variation 389749 (VCV000389749.10), dbSNP rs113010559, ClinGen allele CA4784032.
Genomic context (GRCh38, chr8:73,981,139, plus strand): 5'-GGAAGAATTAGTGGGATAGATTGATTCTTTTATAAAATTTAAAAGTATTGATCCTCTCTC[T>C]TTTTTTCCCATTTAGGTGTGAAATGTTTCTCTTATTCTACGAGTCTGATTGGCCTTACAT-3'